The following is an entry in ClinVar:

ClinVar aggregate classification (germline): Pathogenic/Likely pathogenic. Review status: criteria provided, multiple submitters, no conflicts (2 of 4 stars). 6 submissions from 6 submitters: Pathogenic (4); Likely pathogenic (2). Last evaluated 2025-11-18.

Conditions:
Joubert syndrome 9 (JBTS9). Identifiers: Orphanet 2318, MedGen C2676788, MONDO:0012849, OMIM 612285.
CC2D2A-related disorder. Also called: CC2D2A-related disorders; CC2D2A-related condition. Identifiers: MedGen CN239313.
COACH syndrome 1. Identifiers: Orphanet 1454, MedGen C5435651, MONDO:0800103, OMIM 216360, MONDO:0008996.
Meckel syndrome, type 6. Identifiers: Orphanet 564, MedGen C2676790, MONDO:0012848, OMIM 612284.
Joubert syndrome. Also called: Familial aplasia of the vermis; JOUBERT-BOLTSHAUSER SYNDROME. Identifiers: Orphanet 475, MedGen C5979921, MONDO:0018772.
Meckel-Gruber syndrome. Also called: Dysencephalia splachnocystica; DYSENCEPHALIA SPLANCHNOCYSTICA; GRUBER SYNDROME. Identifiers: Orphanet 564, MedGen C0265215, MONDO:0018921.
COACH syndrome 2. Identifiers: MedGen C5436837, MONDO:0030859, OMIM 619111.
Joubert syndrome and related disorders. Identifiers: Orphanet 140874, MedGen C5679612, MONDO:0015369.

Allele frequency attached by ClinVar (database versions not stated): ExAC 0.00001; gnomAD 0.00001; TOPMed 0.00001; gnomAD exomes 0.00002.

Submissions (6):

Labcorp Genetics (formerly Invitae), Labcorp
Classification: Pathogenic for Joubert syndrome; Meckel-Gruber syndrome. Last evaluated: 2025-11-18. Review status: criteria provided, single submitter. Criteria: Invitae Variant Classification Sherloc (09022015). Collection method: clinical testing. Allele origin: germline.
Comment: This sequence change creates a premature translational stop signal (p.Arg520*) in the CC2D2A gene. It is expected to result in an absent or disrupted protein product. Loss-of-function variants in CC2D2A are known to be pathogenic (PMID: 19777577). This variant is present in population databases (rs781252161, gnomAD 0.004%). This premature translational stop signal has been observed in individual(s) with Joubert syndrome (PMID: 26092869). ClinVar contains an entry for this variant (Variation ID: 217618). Algorithms developed to predict the effect of sequence changes on RNA splicing suggest that this variant may disrupt the consensus splice site. For these reasons, this variant has been classified as Pathogenic.

Myriad Genetics, Inc.
Classification: Pathogenic for Joubert syndrome and related disorders. Last evaluated: 2024-04-23. Review status: criteria provided, single submitter. Criteria: Myriad Autosomal Dominant, Autosomal Recessive and X-Linked Classification Criteria (2023). Collection method: clinical testing. Allele origin: unknown.
Comment: NM_001080522.2(CC2D2A):c.1558C>T(R520*) is expected to be pathogenic in the context of CC2D2A-related disorders. This variant is predicted to lead to an abnormal or absent protein product due to the creation of a premature termination codon in CC2D2A, a gene where loss-of-function variants are known to be pathogenic. Please note: this variant was assessed in the context of healthy population screening.

Blueprint Genetics
Classification: Likely pathogenic for CC2D2A-related disorders. Last evaluated: 2022-01-20. Review status: criteria provided, single submitter. Criteria: ACMG Guidelines, 2015. Collection method: clinical testing. Allele origin: germline. Affected: yes. Observed: 2 variant alleles.

Greenwood Genetic Center Diagnostic Laboratories, Greenwood Genetic Center
Classification: Likely pathogenic for COACH syndrome 2; Joubert syndrome 9; Meckel syndrome, type 6. Last evaluated: 2021-12-29. Review status: criteria provided, single submitter. Criteria: ACMG Guidelines, 2015. Collection method: clinical testing. Allele origin: germline. Affected: yes.
Comment: PVS1, PM2

Fulgent Genetics
Classification: Pathogenic for COACH syndrome 1; Meckel syndrome, type 6; Joubert syndrome 9. Last evaluated: 2018-10-31. Review status: criteria provided, single submitter. Criteria: ACMG Guidelines, 2015. Collection method: clinical testing. Allele origin: unknown.

UW Hindbrain Malformation Research Program, University of Washington
Classification: Pathogenic for Joubert syndrome 9. Last evaluated: 2015-02-23. Review status: criteria provided, single submitter. Criteria: Bachmann-Gagescu et al. (J Med Genet. 2015). Collection method: research. Allele origin: unknown. Affected: yes.

Literature cited by the submitters: PubMed 19777577 (cited by Labcorp Genetics (formerly Invitae), Labcorp); PubMed 26092869 (cited by Labcorp Genetics (formerly Invitae), Labcorp).

NM_001378615.1(CC2D2A):c.1558C>T (p.Arg520Ter)

Genes: CC2D2A (coiled-coil and C2 domain containing 2A; plus strand), FBXL5 (F-box and leucine rich repeat protein 5; minus strand). Cytogenetic location: 4p15.32.
Variant type: single nucleotide variant.
Coding change: c.1558C>T on transcript NM_001378615.1 (MANE Select); coding-DNA position 1558, C replaced by T.
Protein change: p.Arg520Ter; replaces arginine 520 with a stop codon.
Molecular consequence: nonsense.
Genome position (GRCh38, 1-based): chr4:15,533,284, C>T. VCF-style: chr4-15533284-C-T. GRCh37 (hg19) VCF-style: chr4-15534907-C-T.
Other names: c.1558C>T, p.Arg520Ter (NM_001080522.2); c.1411C>T, p.Arg471Ter (NM_001378617.1); short protein forms R520*, R471*.
Identifiers: ClinVar variation 217618 (VCV000217618.14), dbSNP rs781252161, ClinGen allele CA210275.
Genomic context (GRCh38, chr4:15,533,284, plus strand): 5'-GAAAAAGATAGAACATTGCTTAAGACTATCATAAAAGTTTGGAAAGAGATGAAATCCCTT[C>T]GAGAGTTCCAGAGATTTACAAATACTCCCTTGAAACTTGTTTTGAGAAAGTAGGCTTTTT-3'